The following is an entry in ClinVar:

NM_022489.4(INF2):c.*27G>A

Gene: INF2 (inverted formin 2; plus strand). Cytogenetic location: 14q32.33.
Variant type: single nucleotide variant.
Coding change: c.*27G>A on transcript NM_022489.4 (MANE Select); 27 bases downstream of the stop codon, G replaced by A.
Molecular consequence: 3 prime UTR variant. On other transcripts: synonymous variant (3), non-coding transcript variant (1).
Genome position (GRCh38, 1-based): chr14:104,718,820, G>A. VCF-style: chr14-104718820-G-A. GRCh37 (hg19) VCF-style: chr14-105185157-G-A.
Other names: c.3720G>A, p.Lys1240= (NM_001031714.4, NM_001426865.1); c.3804G>A, p.Lys1268= (NM_001426862.1); c.*27G>A (NM_001426863.1, NM_001426864.1).
Identifiers: ClinVar variation 4997749 (VCV004997749.1).

ClinVar aggregate classification (germline): Likely benign (1 of 4 stars; one submission).

Conditions:
INF2-related disorder. Also called: INF2-related condition.

gnomAD v4.1: 3 of 1,612,920 alleles (0.00019%); highest among the groups gnomAD compares: Non-Finnish European, 0.00025%; no homozygotes.

Submission:

PreventionGenetics, part of Exact Sciences
Classification: Likely benign for INF2-related condition. Last evaluated: 2026-06-24. Review status: criteria provided, single submitter. Criteria: ACMG Guidelines, 2015. Collection method: clinical testing. Allele origin: germline.
Comment: This variant is classified as likely benign based on ACMG/AMP sequence variant interpretation guidelines (Richards et al. 2015 PMID: 25741868, with internal and published modifications).